The following is an entry in ClinVar:

ClinVar aggregate classification (germline): Likely benign (1 of 4 stars; one submission).

Allele frequency attached by ClinVar (database versions not stated): gnomAD exomes 0.00002 and 0.00007; ExAC 0.00008; 1000 Genomes Project 0.00020; ESP Exome Variant Server 0.00023; TOPMed 0.00025; gnomAD 0.00029 and 0.00032; 1000 Genomes Project 30x 0.00031.

Submission:

GeneDx
Classification: Likely benign. Last evaluated: 2017-06-28. Review status: criteria provided, single submitter. Criteria: GeneDx Variant Classification (06012015). Collection method: clinical testing. Allele origin: germline. Affected: yes.
Comment: This variant is considered likely benign or benign based on one or more of the following criteria: it is a conservative change, it occurs at a poorly conserved position in the protein, it is predicted to be benign by multiple in silico algorithms, and/or has population frequency not consistent with disease.

NM_013391.3(DMGDH):c.1533C>T (p.Arg511=)

Gene: DMGDH (dimethylglycine dehydrogenase; minus strand). Cytogenetic location: 5q14.1.
Variant type: single nucleotide variant.
Coding change: c.1533C>T on transcript NM_013391.3 (MANE Select); coding-DNA position 1533, C replaced by T.
Protein change: p.Arg511=; no amino-acid change (arginine 511 retained).
Molecular consequence: synonymous variant. On other transcripts: non-coding transcript variant (2).
Genome position (GRCh38, 1-based): chr5:79,030,983, G>A on the plus strand (C>T on the coding strand, the complement: DMGDH is on the minus strand). VCF-style: chr5-79030983-G-A. GRCh37 (hg19) VCF-style: chr5-78326806-G-A.
Identifiers: ClinVar variation 510284 (VCV000510284.1), dbSNP rs142541710, ClinGen allele CA3318684.